The following is an entry in ClinVar:

NM_001329943.3(KIAA0586):c.2T>A (p.Met1Lys)

Gene: KIAA0586 (KIAA0586; plus strand). Cytogenetic location: 14q23.1.
Variant type: single nucleotide variant.
Coding change: c.2T>A on transcript NM_001329943.3 (MANE Select); coding-DNA position 2, T replaced by A.
Protein change: p.Met1Lys; changes the start codon (methionine 1).
Molecular consequence: missense variant, initiator codon variant. On other transcripts: intron variant (6).
Genome position (GRCh38, 1-based): chr14:58,428,266, T>A. VCF-style: chr14-58428266-T-A. GRCh37 (hg19) VCF-style: chr14-58894984-T-A.
Other names: c.38T>A, p.Met13Lys (NM_001244189.2); c.2T>A, p.Met1Lys (NM_001329944.2, NM_001329946.2, NM_001329947.2 and 1 more transcripts); c.-38-6T>A (NM_001244190.2); c.-57+629T>A (NM_001244192.2, NM_001244191.2); c.-57+453T>A (NM_001364701.2, NM_001329945.2, NM_001364700.1); short protein forms M13K, M1K.
Identifiers: ClinVar variation 1507643 (VCV001507643.5), dbSNP rs2140372595, ClinGen allele CA389858915.

ClinVar aggregate classification (germline): Uncertain significance (1 of 4 stars; one submission).

Conditions:
Joubert syndrome 23 (JBTS23). Identifiers: Orphanet 475, MedGen C4084822, MONDO:0014664, OMIM 616490.
Short-rib thoracic dysplasia 14 with polydactyly (SRTD14). Identifiers: Orphanet 397715, MedGen C4225286, MONDO:0014688, OMIM 616546.

Submission:

Labcorp Genetics (formerly Invitae), Labcorp
Classification: Uncertain significance for Joubert syndrome 23; Short-rib thoracic dysplasia 14 with polydactyly. Last evaluated: 2022-08-23. Review status: criteria provided, single submitter. Criteria: Invitae Variant Classification Sherloc (09022015). Collection method: clinical testing. Allele origin: germline.
Comment: This sequence change replaces methionine, which is neutral and non-polar, with lysine, which is basic and polar, at codon 13 of the KIAA0586 protein (p.Met13Lys). This variant is not present in population databases (gnomAD no frequency). This variant has not been reported in the literature in individuals affected with KIAA0586-related conditions. ClinVar contains an entry for this variant (Variation ID: 1507643). Algorithms developed to predict the effect of missense changes on protein structure and function are either unavailable or do not agree on the potential impact of this missense change (SIFT: "Tolerated"; PolyPhen-2: "Probably Damaging"; Align-GVGD: "Class C0"). In summary, the available evidence is currently insufficient to determine the role of this variant in disease. Therefore, it has been classified as a Variant of Uncertain Significance.